The following is an entry in ClinVar:

ClinVar aggregate classification (germline): Likely benign (1 of 4 stars; one submission).

Conditions:
Leigh syndrome (NULS). Also called: Leigh's necrotizing encephalopathy; Leigh's disease; Leigh Syndrome (mtDNA deletion); Leigh Disease; Subacute necrotizing encephalopathy; Necrotizing encephalopathy infantile subacute of Leigh. Identifiers: Orphanet 506, MedGen C2931891, MONDO:0009723, OMIM 256000.

Submission:

Wong Mito Lab, Molecular and Human Genetics, Baylor College of Medicine
Classification: Likely benign for Leigh syndrome. Last evaluated: 2019-10-17. Review status: criteria provided, single submitter. Criteria: Modified ACMG Guidelines (Unpublished). Collection method: clinical testing. Allele origin: germline.
Comment: The NC_012920.1:m.9717C>T (YP_003024032.1:p.Leu171Phe) variant in MTCO3 gene is interpretated to be a Likely Benign variant based on the modified ACMG guidelines (unpublished). This variant meets the following evidence codes: BS4, BP4

NC_012920.1(MT-CO3):m.9717C>T

Gene: MT-CO3 (mitochondrially encoded cytochrome c oxidase III; plus strand).
Variant type: single nucleotide variant.
Genome position: chrM-9717-C-T.
Identifiers: ClinVar variation 693211 (VCV000693211.1), dbSNP rs1603222453, ClinGen allele CA414803553.
Genomic context (GRCh38, chrMT:9,717, plus strand): 5'-CTAATAGAAAACAACCGAAACCAAATAATTCAAGCACTGCTTATTACAATTTTACTGGGT[C>T]TCTATTTTACCCTCCTACAAGCCTCAGAGTACTTCGAGTCTCCCTTCACCATTTCCGACG-3'